The following is an entry in ClinVar:

ClinVar aggregate classification (germline): Pathogenic (1 of 4 stars; one submission).

Conditions:
Periodontitis, aggressive. Identifiers: MedGen C0031106, MONDO:0980757.
Papillon-Lefèvre syndrome (PALS). Also called: KERATOSIS PALMOPLANTARIS WITH PERIODONTOPATHIA; Papillon-Lefevre Disease. Identifiers: Orphanet 678, MedGen C0030360, MONDO:0009490, OMIM 245000.
Haim-Munk syndrome (HMS). Also called: COCHIN JEWISH DISORDER; KERATOSIS PALMOPLANTARIS WITH PERIODONTOPATHIA AND ONYCHOGRYPOSIS. Identifiers: Orphanet 2342, MedGen C1855627, MONDO:0009491, OMIM 245010.

Submission:

Labcorp Genetics (formerly Invitae), Labcorp
Classification: Pathogenic for Haim-Munk syndrome; Periodontitis, aggressive; Papillon-Lefèvre syndrome. Last evaluated: 2023-08-18. Review status: criteria provided, single submitter. Criteria: Invitae Variant Classification Sherloc (09022015). Collection method: clinical testing. Allele origin: germline.
Comment: This variant disrupts a region of the CTSC protein in which other variant(s) (p.Trp429*) have been determined to be pathogenic (PMID: 11886537, 12112662, 29410039). This suggests that this is a clinically significant region of the protein, and that variants that disrupt it are likely to be disease-causing. This variant has not been reported in the literature in individuals affected with CTSC-related conditions. For these reasons, this variant has been classified as Pathogenic. This variant is not present in population databases (gnomAD no frequency). This sequence change creates a premature translational stop signal (p.Gln286Argfs*48) in the CTSC gene. While this is not anticipated to result in nonsense mediated decay, it is expected to disrupt the last 178 amino acid(s) of the CTSC protein.

Literature cited by the submitters: PubMed 11886537; PubMed 12112662; PubMed 29410039.

NM_001814.6(CTSC):c.857del (p.Gln286fs)

Gene: CTSC (cathepsin C; minus strand). Cytogenetic location: 11q14.2.
Variant type: Deletion.
Coding change: c.857del on transcript NM_001814.6 (MANE Select); coding-DNA position 857, one base deleted (A; older notation c.857delA).
Protein change: p.Gln286fs; shifts the reading frame from glutamine 286.
Molecular consequence: frameshift variant.
Genome position (GRCh38, 1-based): chr11:88,296,165, T deleted on the plus strand (A on the coding strand, the reverse complement: CTSC is on the minus strand). VCF-style (leftmost placement, unchanged base first): chr11-88296164-CT-C. GRCh37 (hg19) VCF-style: chr11-88029332-CT-C.
Other names: short protein forms Q286fs.
Identifiers: ClinVar variation 2951116 (VCV002951116.3), dbSNP rs2496532776, ClinGen allele CA2740093155.